The following is an entry in ClinVar:

ClinVar aggregate classification (germline): Pathogenic (1 of 4 stars; one submission).

Conditions:
Inborn genetic diseases. Identifiers: MedGen C0950123, MeSH D030342.

Submission:

Ambry Genetics
Classification: Pathogenic for Inborn genetic diseases. Last evaluated: 2025-10-22. Review status: criteria provided, single submitter. Criteria: Ambry Variant Classification Scheme 2023. Collection method: clinical testing. Allele origin: germline.
Comment: The c.3556C>T (p.R1186*) alteration, located in exon 25 (coding exon 25) of the ARFGEF1 gene, consists of a C to T substitution at nucleotide position 3556. This changes the amino acid from a arginine (R) to a stop codon at amino acid position 1186. This alteration is expected to result in loss of function by premature protein truncation or nonsense-mediated mRNA decay. This variant was not reported in population-based cohorts in the Genome Aggregation Database (gnomAD). Based on the available evidence, this alteration is classified as pathogenic.

NM_006421.5(ARFGEF1):c.3556C>T (p.Arg1186Ter)

Gene: ARFGEF1 (ARF guanine nucleotide exchange factor 1; minus strand). Cytogenetic location: 8q13.2.
Variant type: single nucleotide variant.
Coding change: c.3556C>T on transcript NM_006421.5 (MANE Select); coding-DNA position 3556, C replaced by T.
Protein change: p.Arg1186Ter; replaces arginine 1186 with a stop codon.
Molecular consequence: nonsense. On other transcripts: non-coding transcript variant (1).
Genome position (GRCh38, 1-based): chr8:67,227,998, G>A on the plus strand (C>T on the coding strand, the complement: ARFGEF1 is on the minus strand). VCF-style: chr8-67227998-G-A. GRCh37 (hg19) VCF-style: chr8-68140233-G-A.
Other names: c.3556C>T, p.Arg1186Ter (NM_001413184.1, NM_001413185.1, NM_001413186.1 and 6 more transcripts); c.2956C>T, p.Arg986Ter (NM_001413188.1, NM_001413193.1, NM_001413197.1); c.3550C>T, p.Arg1184Ter (NM_001413190.1); c.2131C>T, p.Arg711Ter (NM_001413196.1); short protein forms R1184*, R986*, R1186*, R711*.
Identifiers: ClinVar variation 4583644 (VCV004583644.1).